The following is an entry in ClinVar:

ClinVar aggregate classification (germline): Conflicting classifications of pathogenicity. Review status: criteria provided, conflicting classifications (1 of 4 stars). 2 submissions from 2 submitters: Likely pathogenic (1); Uncertain significance (1). Last evaluated 2023-12-31.

Conditions:
Ataxia-telangiectasia syndrome (AT). Also called: ATAXIA-TELANGIECTASIA, COMPLEMENTATION GROUP A; ATAXIA-TELANGIECTASIA, FRESNO VARIANT; Ataxia-telangiectasia, complementation group E; Cerebello-oculocutaneous telangiectasia; Immunodeficiency with ataxia telangiectasia; Ataxia telangiectasia (A-T). Identifiers: Orphanet 100, MedGen C0004135, MONDO:0008840, OMIM 208900.

gnomAD v4.1: 2 of 1,613,772 alleles (0.00012%); highest among the groups gnomAD compares: Non-Finnish European, 0.00017%; no homozygotes.

Submissions (2):

Labcorp Genetics (formerly Invitae), Labcorp
Classification: Uncertain significance for Ataxia-telangiectasia syndrome. Last evaluated: 2023-12-31. Review status: criteria provided, single submitter. Criteria: Invitae Variant Classification Sherloc (09022015). Collection method: clinical testing. Allele origin: germline.
Comment: This sequence change replaces arginine, which is basic and polar, with glycine, which is neutral and non-polar, at codon 248 of the ATM protein (p.Arg248Gly). This variant is not present in population databases (gnomAD no frequency). This missense change has been observed in individual(s) with cerebellar ataxia (PMID: 3149931). ClinVar contains an entry for this variant (Variation ID: 1917922). An algorithm developed to predict the effect of missense changes on protein structure and function (PolyPhen-2) suggests that this variant is likely to be disruptive. In summary, the available evidence is currently insufficient to determine the role of this variant in disease. Therefore, it has been classified as a Variant of Uncertain Significance.

Neuberg Centre For Genomic Medicine, NCGM
Classification: Likely pathogenic for Ataxia-telangiectasia syndrome. Review status: criteria provided, single submitter. Criteria: ACMG Guidelines, 2015. Collection method: clinical testing. Allele origin: germline. Inheritance: Autosomal recessive inheritance. Affected: yes.
Comment: The missense variant c.742C>G (p.Arg248Gly) in ATM gene has not been reported previously as a pathogenic variant nor as a benign variant, to our knowledge. However, another variant in the ATM gene at the same position c.742C>T (p.Arg248Ter) has been reported in individuals affected with ataxia telangiectasia (Sasaki et al. 1998, Mitui et al. 2005). The c.742C>T (p.Arg248Ter) variant creates a premature translational stop signal (p.Arg248*) in the ATM gene which is expected to result in an absent or disrupted protein product whereas the variant c.742C>G (p.Arg248Gly) causes a missense change. The c.742C>G (p.Arg248Gly) variant is novel (not in any individuals) in gnomAD Exomes and 1000 Genomes. The amino acid Arg at position 248 is changed to a Gly changing protein sequence and it might alter its composition and physico-chemical properties. The variant is predicted to be damaging by both SIFT and PolyPhen2. The residue is conserved across species. The amino acid change c.742C>G (p.Arg248Gly) in ATM is predicted as conserved by GERP++ and PhyloP across 100 vertebrates. For these reasons, this variant has been classified as Likely Pathogenic.

Literature cited by the submitters: PubMed 3149931 (cited by Labcorp Genetics (formerly Invitae), Labcorp).

NM_000051.4(ATM):c.742C>G (p.Arg248Gly)

Gene: ATM (ATM serine/threonine kinase; plus strand). Cytogenetic location: 11q22.3.
Variant type: single nucleotide variant.
Coding change: c.742C>G on transcript NM_000051.4 (MANE Select); coding-DNA position 742, C replaced by G.
Protein change: p.Arg248Gly; replaces arginine 248 with glycine.
Molecular consequence: missense variant.
Genome position (GRCh38, 1-based): chr11:108,244,867, C>G. VCF-style: chr11-108244867-C-G. GRCh37 (hg19) VCF-style: chr11-108115594-C-G.
Other names: c.742C>G, p.Arg248Gly (NM_001351834.2); short protein forms R248G.
Identifiers: ClinVar variation 1917922 (VCV001917922.5), dbSNP rs730881336, ClinGen allele CA382529258.